The following is an entry in ClinVar:

NM_001127511.3(APC):c.165+20528G>C

Gene: APC (APC regulator of Wnt signaling pathway; plus strand). Cytogenetic location: 5q22.2.
Variant type: single nucleotide variant.
Coding change: c.165+20528G>C on transcript NM_001127511.3; 20528 bases into the intron after coding-DNA position 165, G replaced by C.
Molecular consequence: intron variant.
Genome position (GRCh38, 1-based): chr5:112,728,410, G>C. VCF-style: chr5-112728410-G-C. GRCh37 (hg19) VCF-style: chr5-112064107-G-C.
Other names: c.-1054+20528G>C (NM_001407470.1, NM_001407472.1); c.-19+20528G>C (NM_001407447.1, NM_001354895.2, NM_001407456.1 and 3 more transcripts); c.165+20528G>C (NM_001407446.1, NM_001354897.2, NM_001354902.2); c.-19+20761G>C (NM_001407448.1, NM_001407450.1, NM_001407457.1 and 1 more transcripts); c.-43+20761G>C (NM_001407453.1).
Identifiers: ClinVar variation 82289 (VCV000082289.4), dbSNP rs77407722, ClinGen allele CA023486.

ClinVar aggregate classification (germline): other (0 of 4 stars; one submission).

Conditions:
Familial colorectal cancer. Identifiers: MedGen CN280943, MONDO:0023113. Disease mechanism: loss of function.

Submission:

Systems Biology Platform Zhejiang California International NanoSystems Institute
Classification: other for Familial colorectal cancer. Review status: no assertion criteria provided. Collection method: not provided. Allele origin: unknown.
ClinVar note: Converted during submission from cancer to other.